The following is an entry in ClinVar:

ClinVar aggregate classification (germline): Uncertain significance (1 of 4 stars; one submission).

Allele frequency attached by ClinVar (database versions not stated): gnomAD exomes below 0.00001.
gnomAD v4.1: 1 of 1,614,238 alleles (0.000062%); highest among the groups gnomAD compares: Non-Finnish European, 0.000085%; no homozygotes.

Submission:

GeneDx
Classification: Uncertain significance. Last evaluated: 2023-09-06. Review status: criteria provided, single submitter. Criteria: GeneDx Variant Classification Process June 2021. Collection method: clinical testing. Allele origin: germline. Affected: yes.
Comment: Not observed at significant frequency in large population cohorts (gnomAD); In silico analysis supports that this missense variant has a deleterious effect on protein structure/function; Has not been previously published as pathogenic or benign to our knowledge

NM_014874.4(MFN2):c.1517C>T (p.Pro506Leu)

Gene: MFN2 (mitofusin 2; plus strand). Cytogenetic location: 1p36.22.
Variant type: single nucleotide variant.
Coding change: c.1517C>T on transcript NM_014874.4 (MANE Select); coding-DNA position 1517, C replaced by T.
Protein change: p.Pro506Leu; replaces proline 506 with leucine.
Molecular consequence: missense variant.
Genome position (GRCh38, 1-based): chr1:12,005,732, C>T. VCF-style: chr1-12005732-C-T. GRCh37 (hg19) VCF-style: chr1-12065789-C-T.
Other names: c.1517C>T, p.Pro506Leu (NM_001127660.2); short protein forms P506L.
Identifiers: ClinVar variation 2579401 (VCV002579401.1), dbSNP rs2523086954, ClinGen allele CA338447866.
Genomic context (GRCh38, chr1:12,005,732, plus strand): 5'-TGAGCTGATAAGCTTTTCCTCCATTTCTCTTCCTGACAGATGGCTTGAAACCCCTCCTTC[C>T]TGTGTCTGTGCGGAGTCAGATAGACATGCTGGTCCCACGCCAGTGCTTCTCCCTCAACTA-3'
Protein context (NP_055689.1, residues 496-516): DMIDGLKPLL[Pro506Leu]VSVRSQIDML